The following is an entry in ClinVar:

NM_000639.3(FASLG):c.228C>G (p.Asn76Lys)

Gene: FASLG (Fas ligand; plus strand). Cytogenetic location: 1q24.3.
Variant type: single nucleotide variant.
Coding change: c.228C>G on transcript NM_000639.3 (MANE Select); coding-DNA position 228, C replaced by G.
Protein change: p.Asn76Lys; replaces asparagine 76 with lysine.
Molecular consequence: missense variant.
Genome position (GRCh38, 1-based): chr1:172,659,429, C>G. VCF-style: chr1-172659429-C-G. GRCh37 (hg19) VCF-style: chr1-172628569-C-G.
Other names: c.228C>G, p.Asn76Lys (NM_001302746.2); short protein forms N76K.
Identifiers: ClinVar variation 2122562 (VCV002122562.4), dbSNP rs942814680, ClinGen allele CA343805347.

ClinVar aggregate classification (germline): Uncertain significance (1 of 4 stars; one submission).

Conditions:
Autoimmune lymphoproliferative syndrome type 1. Also called: AUTOIMMUNE LYMPHOPROLIFERATIVE SYNDROME, TYPE I, AUTOSOMAL DOMINANT. Identifiers: Orphanet 3261, MedGen C2717884, MONDO:0011158, OMIM 601859.

Submission:

Labcorp Genetics (formerly Invitae), Labcorp
Classification: Uncertain significance for Autoimmune lymphoproliferative syndrome. Last evaluated: 2024-02-24. Review status: criteria provided, single submitter. Criteria: Invitae Variant Classification Sherloc (09022015). Collection method: clinical testing. Allele origin: germline.
Comment: This sequence change replaces asparagine, which is neutral and polar, with lysine, which is basic and polar, at codon 76 of the FASLG protein (p.Asn76Lys). This variant is not present in population databases (gnomAD no frequency). This variant has not been reported in the literature in individuals affected with FASLG-related conditions. ClinVar contains an entry for this variant (Variation ID: 2122562). Advanced modeling of protein sequence and biophysical properties (such as structural, functional, and spatial information, amino acid conservation, physicochemical variation, residue mobility, and thermodynamic stability) performed at Invitae indicates that this missense variant is not expected to disrupt FASLG protein function with a negative predictive value of 80%. In summary, the available evidence is currently insufficient to determine the role of this variant in disease. Therefore, it has been classified as a Variant of Uncertain Significance.